The following is an entry in ClinVar:

ClinVar aggregate classification (germline): Uncertain significance (1 of 4 stars; one submission).

gnomAD v4.1: 9 of 1,551,052 alleles (0.00058%); highest among the groups gnomAD compares: Non-Finnish European, 0.00078%; no homozygotes.

Submission:

Ambry Genetics
Classification: Uncertain significance. Last evaluated: 2025-12-10. Review status: criteria provided, single submitter. Criteria: Ambry Variant Classification Scheme 2023. Collection method: clinical testing. Allele origin: germline.
Comment: The c.1019G>A (p.R340Q) alteration is located in exon 9 (coding exon 9) of the STK32C gene. This alteration results from a G to A substitution at nucleotide position 1019, causing the arginine (R) at amino acid position 340 to be replaced by a glutamine (Q). Based on data from gnomAD, the A allele has an overall frequency of <0.001% (0/159186) total alleles studied. The highest observed frequency was <0.001% (/) of alleles. Based on insufficient or conflicting evidence, the clinical significance of this alteration remains unclear.

NM_173575.4(STK32C):c.1019G>A (p.Arg340Gln)

Gene: STK32C (serine/threonine kinase 32C; minus strand). Cytogenetic location: 10q26.3.
Variant type: single nucleotide variant.
Coding change: c.1019G>A on transcript NM_173575.4 (MANE Select); coding-DNA position 1019, G replaced by A.
Protein change: p.Arg340Gln; replaces arginine 340 with glutamine.
Molecular consequence: missense variant. On other transcripts: non-coding transcript variant (1).
Genome position (GRCh38, 1-based): chr10:132,222,961, C>T on the plus strand (G>A on the coding strand, the complement: STK32C is on the minus strand). VCF-style: chr10-132222961-C-T. GRCh37 (hg19) VCF-style: chr10-134036465-C-T.
Other names: c.1058G>A, p.Arg353Gln (NM_001318878.2); c.668G>A, p.Arg223Gln (NM_001318879.2); short protein forms R223Q, R340Q, R353Q.
Identifiers: ClinVar variation 4590702 (VCV004590702.1).